The following is an entry in ClinVar:

ClinVar aggregate classification (germline): Uncertain significance (1 of 4 stars; one submission).

Conditions:
Neural tube defects, susceptibility to. Identifiers: MedGen C3891448, MONDO:0020705, OMIM 182940.

Submission:

Juno Genomics, Hangzhou Juno Genomics, Inc
Classification: Uncertain significance for Neural tube defects, susceptibility to. Review status: criteria provided, single submitter. Criteria: ACMG Guidelines, 2015. Collection method: clinical testing. Allele origin: germline.
Comment: Absent from controls (or at extremely low frequency if recessive) in Genome Aggregation Database.;Multiple lines of computational evidence support a deleterious effect on the gene or gene product.

NM_020335.3(VANGL2):c.80G>A (p.Arg27Gln)

Gene: VANGL2 (VANGL planar cell polarity protein 2; plus strand). Cytogenetic location: 1q23.2.
Variant type: single nucleotide variant.
Coding change: c.80G>A on transcript NM_020335.3 (MANE Select); coding-DNA position 80, G replaced by A.
Protein change: p.Arg27Gln; replaces arginine 27 with glutamine.
Molecular consequence: missense variant.
Genome position (GRCh38, 1-based): chr1:160,416,070, G>A. VCF-style: chr1-160416070-G-A. GRCh37 (hg19) VCF-style: chr1-160385860-G-A.
Other names: short protein forms R27Q.
Identifiers: ClinVar variation 5005075 (VCV005005075.2).
Genomic context (GRCh38, chr1:160,416,070, plus strand): 5'-GACCCTGGTCCACCACTGGACTTTCTGTGCCTTTTCTGGCTTCCTGCCGCAGGGACCGCC[G>A]GGACCGACACCGCTCTAAGAGTCGAGATGGGGGCCGAGGGGACAAGTCGGTGACAATCCA-3'
Protein context (NP_065068.1, residues 17-37): SRSSRKHRDR[Arg27Gln]DRHRSKSRDG